The following is an entry in ClinVar:

ClinVar aggregate classification (germline): Likely benign (1 of 4 stars; one submission).

Submission:

GeneDx
Classification: Likely benign. Last evaluated: 2018-05-25. Review status: criteria provided, single submitter. Criteria: GeneDx Variant Classification (06012015). Collection method: clinical testing. Allele origin: germline. Affected: yes.
Comment: This variant is considered likely benign or benign based on one or more of the following criteria: it is a conservative change, it occurs at a poorly conserved position in the protein, it is predicted to be benign by multiple in silico algorithms, and/or has population frequency not consistent with disease.

NM_015443.4(KANSL1):c.1522A>T (p.Thr508Ser)

Gene: KANSL1 (KAT8 regulatory NSL complex subunit 1). Cytogenetic location: 17q21.31.
Variant type: single nucleotide variant.
Coding change: c.1522A>T on transcript NM_015443.4 (MANE Select); coding-DNA position 1522, A replaced by T.
Protein change: p.Thr508Ser; replaces threonine 508 with serine.
Molecular consequence: missense variant.
Genome position (GRCh38, 1-based): chr17:46,082,452, T>A on the plus strand (A>T on the coding strand, the complement: KANSL1 is on the minus strand). VCF-style: chr17-46082452-T-A. GRCh37 (hg19) VCF-style: chr17-44159818-T-A.
Other names: c.1522A>T, p.Thr508Ser (NM_001193465.2, NM_001193466.2, NM_001379198.1); short protein forms T508S.
Identifiers: ClinVar variation 668688 (VCV000668688.1), dbSNP rs1598573095, ClinGen allele CA399993010.
Genomic context (GRCh38, chr17:46,082,452, plus strand): 5'-AACACCCTTAATTCTCACGCATTTCCCCCTTTCTATCTTTTATACTTACCAATTTATCAG[T>A]CCCATGATCTGTCTTCACCTCAGAACTAAGTGGAAGAAATAAGTCTGTTGTATGCTCTGG-3'
Protein context (NP_056258.1, residues 498-518): LSSEVKTDHG[Thr508Ser]DKLIESVSQP